The following is an entry in ClinVar:

NM_001017980.4(VMA21):c.225C>T (p.Ala75=)

Gene: VMA21 (vacuolar ATPase assembly factor VMA21; plus strand). Cytogenetic location: Xq28.
Variant type: single nucleotide variant.
Coding change: c.225C>T on transcript NM_001017980.4 (MANE Select); coding-DNA position 225, C replaced by T.
Protein change: p.Ala75=; no amino-acid change (alanine 75 retained).
Molecular consequence: synonymous variant.
Genome position (GRCh38, 1-based): chrX:151,404,977, C>T. VCF-style: chrX-151404977-C-T. GRCh37 (hg19) VCF-style: chrX-150573449-C-T.
Other names: c.390C>T, p.Ala130= (NM_001363810.1).
Identifiers: ClinVar variation 533405 (VCV000533405.17), dbSNP rs139323488, ClinGen allele CA10540588.

ClinVar aggregate classification (germline): Benign/Likely benign. Review status: criteria provided, multiple submitters, no conflicts (2 of 4 stars). 3 submissions from 3 submitters: Benign (1); Likely benign (1). 1 of the submissions does not count toward it. Last evaluated 2026-01-21.

Conditions:
VMA21-related disorder. Also called: VMA21-related condition.
X-linked myopathy with excessive autophagy (AVM). Also called: Vacuolar myopathy; Autophagic vacuolar myopathy. Identifiers: Orphanet 25980, MedGen C1839615, MONDO:0010684, OMIM 310440.

Allele frequency attached by ClinVar (database versions not stated): gnomAD exomes 0.00109; ExAC 0.00120; 1000 Genomes Project 0.00159; 1000 Genomes Project 30x 0.00166; gnomAD 0.00364 and 0.00403; ESP Exome Variant Server 0.00398; TOPMed 0.00405.

Submissions (3):

Labcorp Genetics (formerly Invitae), Labcorp
Classification: Benign for X-linked myopathy with excessive autophagy. Last evaluated: 2026-01-21. Review status: criteria provided, single submitter. Criteria: Invitae Variant Classification Sherloc (09022015). Collection method: clinical testing. Allele origin: germline.

Blueprint Genetics
Classification: Likely benign. Last evaluated: 2024-11-28. Review status: criteria provided, single submitter. Criteria: ACMG Guidelines, 2015. Collection method: clinical testing. Allele origin: germline.

PreventionGenetics, part of Exact Sciences
Classification: Benign for VMA21-related condition. Last evaluated: 2019-05-08. Review status: no assertion criteria provided. Collection method: clinical testing. Allele origin: germline. Not counted in ClinVar's aggregate classification.
Comment: This variant is classified as benign based on ACMG/AMP sequence variant interpretation guidelines (Richards et al. 2015 PMID: 25741868, with internal and published modifications).